The following is an entry in ClinVar:

NM_003072.5(SMARCA4):c.4200_4201delinsAC (p.Glu1401Gln)

Gene: SMARCA4 (SWI/SNF related BAF chromatin remodeling complex subunit ATPase 4; plus strand). Cytogenetic location: 19p13.2.
Variant type: Indel.
Coding change: c.4200_4201delinsAC on transcript NM_003072.5 (MANE Select); coding-DNA positions 4200 to 4201, CG replaced by AC.
Protein change: p.Glu1401Gln; replaces glutamic acid 1401 with glutamine.
Molecular consequence: missense variant. On other transcripts: non-coding transcript variant (1).
Genome position (GRCh38, 1-based): chr19:11,041,336-11,041,337, CG replaced by AC. VCF-style: chr19-11041336-CG-AC. GRCh37 (hg19) VCF-style: chr19-11152012-CG-AC.
Other names: c.4200_4201delinsAC, p.Glu1401Gln (NM_001128844.3); c.4110_4111delinsAC, p.Glu1371Gln (NM_001128845.2, NM_001128846.2); c.4101_4102delinsAC, p.Glu1368Gln (NM_001128847.4, NM_001128848.2, NM_001374457.1); c.4296_4297delinsAC, p.Glu1433Gln (NM_001128849.3, NM_001387283.1); c.4197_4198delCGinsAC, p.Glu1400Gln (NM_001411150.1); c.4296_4297delCGinsAC (NM_001128849.1); short protein forms E1368Q, E1371Q, E1400Q, E1401Q, E1433Q.
Identifiers: ClinVar variation 1716646 (VCV001716646.6), dbSNP rs2515486875, ClinGen allele CA2580096235.

ClinVar aggregate classification (germline): Uncertain significance. Review status: criteria provided, multiple submitters, no conflicts (2 of 4 stars). 2 submissions from 2 submitters: Uncertain significance (2). Last evaluated 2026-02-10.

Conditions:
Hereditary cancer-predisposing syndrome. Also called: Tumor predisposition; Hereditary Cancer Syndrome; Hereditary neoplastic syndrome; Neoplastic Syndromes, Hereditary. Identifiers: Orphanet 140162, MedGen C0027672, MeSH D009386, MONDO:0015356.
Rhabdoid tumor predisposition syndrome 2 (RTPS2). Identifiers: Orphanet 231108, Orphanet 69077, MedGen C2750074, MONDO:0013224, OMIM 613325.

Submissions (2):

Ambry Genetics
Classification: Uncertain significance for Hereditary cancer-predisposing syndrome. Last evaluated: 2026-02-10. Review status: criteria provided, single submitter. Criteria: Ambry Variant Classification Scheme 2023. Collection method: clinical testing. Allele origin: germline.
Comment: The c.4296_4297delCGinsAC variant (also known as p.E1433Q), located in coding exon 30 of the SMARCA4 gene, results from an in-frame deletion of CG and insertion of AC at nucleotide positions 4296 to 4297. This results in the substitution of the glutamic acid residue for a glutamine residue at codon 1433, an amino acid with highly similar properties. This amino acid position is highly conserved in available vertebrate species. Based on the available evidence, the clinical significance of this variant remains unclear.

Labcorp Genetics (formerly Invitae), Labcorp
Classification: Uncertain significance for Rhabdoid tumor predisposition syndrome 2. Last evaluated: 2025-06-10. Review status: criteria provided, single submitter. Criteria: Invitae Variant Classification Sherloc (09022015). Collection method: clinical testing. Allele origin: germline.
Comment: This sequence change replaces glutamic acid, which is acidic and polar, with glutamine, which is neutral and polar, at codon 1433 of the SMARCA4 protein (p.Glu1433Gln). Information on the frequency of this variant in the gnomAD database is not available, as this variant may be reported differently in the database. This variant has not been reported in the literature in individuals affected with SMARCA4-related conditions. ClinVar contains an entry for this variant (Variation ID: 1716646). Experimental studies and prediction algorithms are not available or were not evaluated, and the functional significance of this variant is currently unknown. In summary, the available evidence is currently insufficient to determine the role of this variant in disease. Therefore, it has been classified as a Variant of Uncertain Significance.